The following is an entry in ClinVar:

ClinVar aggregate classification (germline): Uncertain significance (1 of 4 stars; one submission).

Conditions:
Charcot-Marie-Tooth disease recessive intermediate C. Also called: CHARCOT-MARIE-TOOTH NEUROPATHY, RECESSIVE INTERMEDIATE C. Identifiers: Orphanet 369867, MedGen C3809309, MONDO:0014154, OMIM 615376.
Neuronopathy, distal hereditary motor, autosomal recessive 4. Also called: NEUROPATHY, DISTAL HEREDITARY MOTOR, AUTOSOMAL RECESSIVE 4; Autosomal recessive lower motor neuron disease with childhood onset. Identifiers: Orphanet 206580, MedGen C1970211, MONDO:0012608, OMIM 611067.

gnomAD v4.1: 2 of 1,580,798 alleles (0.00013%); highest among the groups gnomAD compares: South Asian, 0.0023%; no homozygotes.

Submission:

Labcorp Genetics (formerly Invitae), Labcorp
Classification: Uncertain significance for Neuronopathy, distal hereditary motor, autosomal recessive 4; Charcot-Marie-Tooth disease recessive intermediate C. Last evaluated: 2022-02-22. Review status: criteria provided, single submitter. Criteria: Invitae Variant Classification Sherloc (09022015). Collection method: clinical testing. Allele origin: germline.
Comment: This sequence change replaces alanine, which is neutral and non-polar, with valine, which is neutral and non-polar, at codon 247 of the PLEKHG5 protein (p.Ala247Val). The frequency data for this variant in the population databases is considered unreliable, as metrics indicate poor data quality at this position in the gnomAD database. This variant has not been reported in the literature in individuals affected with PLEKHG5-related conditions. Algorithms developed to predict the effect of missense changes on protein structure and function are either unavailable or do not agree on the potential impact of this missense change (SIFT: "Deleterious"; PolyPhen-2: "Possibly Damaging"; Align-GVGD: "Class C0"). Algorithms developed to predict the effect of sequence changes on RNA splicing suggest that this variant may create or strengthen a splice site. In summary, the available evidence is currently insufficient to determine the role of this variant in disease. Therefore, it has been classified as a Variant of Uncertain Significance.

NM_020631.6(PLEKHG5):c.740C>T (p.Ala247Val)

Gene: PLEKHG5 (pleckstrin homology and RhoGEF domain containing G5; minus strand). Cytogenetic location: 1p36.31.
Variant type: single nucleotide variant.
Coding change: c.740C>T on transcript NM_020631.6 (MANE Select); coding-DNA position 740, C replaced by T.
Protein change: p.Ala247Val; replaces alanine 247 with valine.
Molecular consequence: missense variant.
Genome position (GRCh38, 1-based): chr1:6,473,306, G>A on the plus strand (C>T on the coding strand, the complement: PLEKHG5 is on the minus strand). VCF-style: chr1-6473306-G-A. GRCh37 (hg19) VCF-style: chr1-6533366-G-A.
Other names: c.851C>T, p.Ala284Val (NM_001042663.3, NM_001265592.2); c.740C>T, p.Ala247Val (NM_001042664.2, NM_001042665.2, NM_001265594.3 and 1 more transcripts); c.947C>T, p.Ala316Val (NM_001265593.2); short protein forms A247V, A284V, A316V.
Identifiers: ClinVar variation 2101529 (VCV002101529.1), dbSNP rs1365811372, ClinGen allele CA338136536.